The following is an entry in ClinVar:

NM_004863.4(SPTLC2):c.1569+8G>T

Gene: SPTLC2 (serine palmitoyltransferase long chain base subunit 2; minus strand). Cytogenetic location: 14q24.3.
Variant type: single nucleotide variant.
Coding change: c.1569+8G>T on transcript NM_004863.4 (MANE Select); 8 bases into the intron after coding-DNA position 1569, G replaced by T.
Molecular consequence: intron variant.
Genome position (GRCh38, 1-based): chr14:77,518,030, C>A on the plus strand (G>T on the coding strand, the complement: SPTLC2 is on the minus strand). VCF-style: chr14-77518030-C-A. GRCh37 (hg19) VCF-style: chr14-77984373-C-A.
Identifiers: ClinVar variation 314666 (VCV000314666.13), dbSNP rs577069180, ClinGen allele CA7289134.
Genomic context (GRCh38, chr14:77,518,030, plus strand): 5'-ATTTCATCTAATATACAGGCCCTTTTAATAAAAGGCATATTTATATCAAGGTGAAAGTGC[C>A]TACTTACAGTATCAAGTATTTCTTTGGTATGAGCTGCTGACAGGCAAAACCTGGCTCTGG-3'

ClinVar aggregate classification (germline): Benign/Likely benign. Review status: criteria provided, multiple submitters, no conflicts (2 of 4 stars). 2 submissions from 2 submitters: Benign (1); Likely benign (1). Last evaluated 2024-06-14.

Conditions:
Neuropathy, hereditary sensory and autonomic, type 1C. Also called: HSAN IC; HSN IC. Identifiers: Orphanet 36386, MedGen C3150896, MONDO:0013337, OMIM 613640.

Allele frequency attached by ClinVar (database versions not stated): TOPMed 0.00002; 1000 Genomes Project 0.00040; 1000 Genomes Project 30x 0.00047.
gnomAD v4.1: 4 of 1,614,132 alleles (0.00025%); highest among the groups gnomAD compares: East Asian, 0.0089%; no homozygotes.

Submissions (2):

Labcorp Genetics (formerly Invitae), Labcorp
Classification: Likely benign for Neuropathy, hereditary sensory and autonomic, type 1C. Last evaluated: 2024-06-14. Review status: criteria provided, single submitter. Criteria: Invitae Variant Classification Sherloc (09022015). Collection method: clinical testing. Allele origin: germline.

Illumina Laboratory Services, Illumina
Classification: Benign for Neuropathy, hereditary sensory and autonomic, type 1C. Last evaluated: 2018-01-13. Review status: criteria provided, single submitter. Criteria: ICSL Variant Classification Criteria 13 December 2019. Collection method: clinical testing. Allele origin: germline.
Comment: This variant was observed in the ICSL laboratory as part of a predisposition screen in an ostensibly healthy population. It had not been previously curated by ICSL or reported in the Human Gene Mutation Database (HGMD: prior to June 1st, 2018), and was therefore a candidate for classification through an automated scoring system. Utilizing variant allele frequency, disease prevalence and penetrance estimates, and inheritance mode, an automated score was calculated to assess if this variant is too frequent to cause the disease. Based on the score and internal cut-off values, a variant classified as benign is not then subjected to further curation. The score for this variant resulted in a classification of benign for this disease.